The following is an entry in ClinVar:

ClinVar aggregate classification (germline): Pathogenic. Review status: criteria provided, multiple submitters, no conflicts (2 of 4 stars). 3 submissions from 3 submitters: Pathogenic (2). 1 of the submissions does not count toward it. Last evaluated 2025-02-18.

Conditions:
PKD1-related disorder. Also called: PKD1-related condition.
Polycystic kidney disease, adult type (PKD1). Also called: POLYCYSTIC KIDNEY DISEASE 1 WITH OR WITHOUT POLYCYSTIC LIVER DISEASE; POLYCYSTIC KIDNEY DISEASE, ADULT, TYPE I; Polycystic Kidney Disease 1, Autosomal Dominant; Polycystic kidney disease 1; Polycystic kidney disease 1, severe; Polycystic Kidney, Autosomal Dominant. Identifiers: MedGen C3149841, MONDO:0008263, OMIM 173900.

gnomAD v4.1: 1 of 1,572,228 alleles (0.000064%); highest among the groups gnomAD compares: Non-Finnish European, 0.000086%; no homozygotes.

Submissions (3):

GeneDx
Classification: Pathogenic. Last evaluated: 2025-02-18. Review status: criteria provided, single submitter. Criteria: GeneDx Variant Classification Process June 2021. Collection method: clinical testing. Allele origin: germline. Affected: yes.
Comment: Nonsense variant predicted to result in protein truncation or nonsense mediated decay in a gene for which loss of function is a known mechanism of disease; Not observed at significant frequency in large population cohorts (gnomAD); This variant is associated with the following publications: (PMID: 22383692, 22185115, 33226606, 35783601, 35325889)

Fulgent Genetics
Classification: Pathogenic for Polycystic kidney disease, adult type. Last evaluated: 2024-01-05. Review status: criteria provided, single submitter. Criteria: ACMG Guidelines, 2015. Collection method: clinical testing. Allele origin: germline.

PreventionGenetics, part of Exact Sciences
Classification: Pathogenic for PKD1-related condition. Last evaluated: 2024-05-02. Review status: no assertion criteria provided. Collection method: clinical testing. Allele origin: germline. Not counted in ClinVar's aggregate classification.
Comment: The PKD1 c.6424C>T variant is predicted to result in premature protein termination (p.Gln2142*). This variant has been reported to be pathogenic for autosomal dominant polycystic kidney disease (ADPKD) (see for example, Yu et al. 2011. PubMed ID: 22185115). This variant has not been reported in a large population database, indicating this variant is rare. Nonsense variants in PKD1 are expected to be pathogenic. This variant is interpreted as pathogenic.

NM_001009944.3(PKD1):c.6424C>T (p.Gln2142Ter)

Gene: PKD1 (polycystin 1, transient receptor potential channel interacting; minus strand). Cytogenetic location: 16p13.3.
Variant type: single nucleotide variant.
Coding change: c.6424C>T on transcript NM_001009944.3 (MANE Select); coding-DNA position 6424, C replaced by T.
Protein change: p.Gln2142Ter; replaces glutamine 2142 with a stop codon.
Molecular consequence: nonsense.
Genome position (GRCh38, 1-based): chr16:2,108,743, G>A on the plus strand (C>T on the coding strand, the complement: PKD1 is on the minus strand). VCF-style: chr16-2108743-G-A. GRCh37 (hg19) VCF-style: chr16-2158744-G-A.
Other names: c.6424C>T, p.Gln2142Ter (NM_000296.4); short protein forms Q2142*.
Identifiers: ClinVar variation 1179077 (VCV001179077.6), dbSNP rs2151788037, ClinGen allele CA394373584.
Genomic context (GRCh38, chr16:2,108,743, plus strand): 5'-GCATCAGCACCTGCAGGGGCAGGACCACGTCCACCTCCGGCTCCCGGCAGGCCAGCACCT[G>A]GACGGTCACCGTGGCCTGCGCCACGAAGAAGCTCACCAGGTTGGAGGCGTTCACCTGCAC-3'